The following is an entry in ClinVar:

ClinVar aggregate classification (germline): Uncertain significance (1 of 4 stars; one submission).

Conditions:
Aicardi-Goutieres syndrome 4. Identifiers: Orphanet 51, MedGen C1835912, MONDO:0012472, OMIM 610333.

gnomAD v4.1: 1 of 1,569,712 alleles (0.000064%); highest among the groups gnomAD compares: Non-Finnish European, 0.000086%; no homozygotes.

Submission:

Labcorp Genetics (formerly Invitae), Labcorp
Classification: Uncertain significance for Aicardi-Goutieres syndrome 4. Last evaluated: 2022-03-23. Review status: criteria provided, single submitter. Criteria: Invitae Variant Classification Sherloc (09022015). Collection method: clinical testing. Allele origin: germline.
Comment: This sequence change replaces arginine, which is basic and polar, with leucine, which is neutral and non-polar, at codon 13 of the RNASEH2A protein (p.Arg13Leu). This variant is not present in population databases (gnomAD no frequency). This variant has not been reported in the literature in individuals affected with RNASEH2A-related conditions. Algorithms developed to predict the effect of missense changes on protein structure and function (SIFT, PolyPhen-2, Align-GVGD) all suggest that this variant is likely to be tolerated. In summary, the available evidence is currently insufficient to determine the role of this variant in disease. Therefore, it has been classified as a Variant of Uncertain Significance.

NM_006397.3(RNASEH2A):c.38G>T (p.Arg13Leu)

Genes: RNASEH2A (ribonuclease H2 subunit A; plus strand), LOC117038795 (CRISPRi-FlowFISH-validated PRDX2 regulatory element 4; plus strand). Cytogenetic location: 19p13.13.
Variant type: single nucleotide variant.
Coding change: c.38G>T on transcript NM_006397.3 (MANE Select); coding-DNA position 38, G replaced by T.
Protein change: p.Arg13Leu; replaces arginine 13 with leucine.
Molecular consequence: missense variant.
Genome position (GRCh38, 1-based): chr19:12,806,711, G>T. VCF-style: chr19-12806711-G-T. GRCh37 (hg19) VCF-style: chr19-12917525-G-T.
Other names: short protein forms R13L.
Identifiers: ClinVar variation 1436236 (VCV001436236.5), dbSNP rs1289383180, ClinGen allele CA404263163.